The following is an entry in ClinVar:

ClinVar aggregate classification (germline): Uncertain significance (1 of 4 stars; one submission).

Conditions:
Hereditary cancer-predisposing syndrome. Also called: Hereditary Cancer Syndrome; Tumor predisposition; Neoplastic Syndromes, Hereditary; Hereditary neoplastic syndrome. Identifiers: Orphanet 140162, MedGen C0027672, MeSH D009386, MONDO:0015356.

Allele frequency attached by ClinVar (database versions not stated): gnomAD exomes below 0.00001.

Submission:

Ambry Genetics
Classification: Uncertain significance for Hereditary cancer-predisposing syndrome. Last evaluated: 2025-12-18. Review status: criteria provided, single submitter. Criteria: Ambry Variant Classification Scheme 2023. Collection method: clinical testing. Allele origin: germline.
Comment: The p.S33L variant (also known as c.98C>T), located in coding exon 1 of the TMEM127 gene, results from a C to T substitution at nucleotide position 98. The serine at codon 33 is replaced by leucine, an amino acid with dissimilar properties. This amino acid position is highly conserved in available vertebrate species. In addition, this alteration is predicted to be deleterious by in silico analysis. Since supporting evidence is limited at this time, the clinical significance of this alteration remains unclear.

NM_017849.4(TMEM127):c.98C>T (p.Ser33Leu)

Genes: TMEM127 (transmembrane protein 127; minus strand), LOC129934333 (ATAC-STARR-seq lymphoblastoid silent region 11759; plus strand). Cytogenetic location: 2q11.2.
Variant type: single nucleotide variant.
Coding change: c.98C>T on transcript NM_017849.4 (MANE Select); coding-DNA position 98, C replaced by T.
Protein change: p.Ser33Leu; replaces serine 33 with leucine.
Molecular consequence: missense variant.
Genome position (GRCh38, 1-based): chr2:96,265,284, G>A on the plus strand (C>T on the coding strand, the complement: TMEM127 is on the minus strand). VCF-style: chr2-96265284-G-A. GRCh37 (hg19) VCF-style: chr2-96931022-G-A.
Other names: c.98C>T, p.Ser33Leu (NM_001193304.3); short protein forms S33L.
Identifiers: ClinVar variation 823545 (VCV000823545.5), dbSNP rs1573977887, ClinGen allele CA347656116.
Genomic context (GRCh38, chr2:96,265,284, plus strand): 5'-CAGGCGGGCTCGGCGAGGGCAGTGCACAGCGCCGTGATAGACAGGGCGCCAGGCAGGGCC[G>A]AGGCCAGGCTACGCTCCGGCTGCTTGGGCAGAGCGCTGCCTCCCGGGCTCCTCCGCCGGC-3'
Protein context (NP_060319.1, residues 23-43): LPKQPERSLA[Ser33Leu]ALPGALSITA